The following is an entry in ClinVar:

ClinVar aggregate classification (germline): Uncertain significance (1 of 4 stars; one submission).

Submission:

Labcorp Genetics (formerly Invitae), Labcorp
Classification: Uncertain significance. Last evaluated: 2023-08-11. Review status: criteria provided, single submitter. Criteria: Invitae Variant Classification Sherloc (09022015). Collection method: clinical testing. Allele origin: unknown.
Comment: This variant is a gross deletion of the genomic region encompassing exon(s) 7-8 of the DNA2 gene. This deletion is out-of-frame, and is expected to create a premature translational stop signal and result in an absent or disrupted protein product. However, the current clinical and genetic evidence is not sufficient to establish whether loss-of-function variants in DNA2 cause disease. This variant has not been reported in the literature in individuals affected with DNA2-related conditions. In summary, the available evidence is currently insufficient to determine the role of this variant in disease. Therefore, it has been classified as a Variant of Uncertain Significance.

NC_000010.10:g.(?_70204658)_(70206190_?)del

Gene: DNA2 (DNA replication helicase/nuclease 2; minus strand). Cytogenetic location: 10q21.3.
Variant type: Deletion.
Identifiers: ClinVar variation 3244957 (VCV003244957.1).